The following is an entry in ClinVar:

ClinVar aggregate classification (germline): Uncertain significance. Review status: criteria provided, multiple submitters, no conflicts (2 of 4 stars). 2 submissions from 2 submitters: Uncertain significance (2). Last evaluated 2025-06-30.

Conditions:
Colorectal cancer, hereditary nonpolyposis, type 7. Identifiers: Orphanet 144, MedGen C1858380, MONDO:0013725, OMIM 614385.

Submissions (2):

Ambry Genetics
Classification: Uncertain significance. Last evaluated: 2025-06-30. Review status: criteria provided, single submitter. Criteria: Ambry Variant Classification Scheme 2023. Collection method: clinical testing. Allele origin: germline.
Comment: The p.A11T variant (also known as c.31G>A), located in coding exon 1 of the MLH3 gene, results from a G to A substitution at nucleotide position 31. The alanine at codon 11 is replaced by threonine, an amino acid with similar properties. This amino acid position is conserved. In addition, the in silico prediction for this alteration is inconclusive. Since supporting evidence is limited at this time, the clinical significance of this alteration remains unclear.

Labcorp Genetics (formerly Invitae), Labcorp
Classification: Uncertain significance for Colorectal cancer, hereditary nonpolyposis, type 7. Last evaluated: 2022-06-17. Review status: criteria provided, single submitter. Criteria: Invitae Variant Classification Sherloc (09022015). Collection method: clinical testing. Allele origin: germline.
Comment: In summary, the available evidence is currently insufficient to determine the role of this variant in disease. Therefore, it has been classified as a Variant of Uncertain Significance. Algorithms developed to predict the effect of missense changes on protein structure and function (SIFT, PolyPhen-2, Align-GVGD) all suggest that this variant is likely to be tolerated. This variant has not been reported in the literature in individuals affected with MLH3-related conditions. This variant is not present in population databases (gnomAD no frequency). This sequence change replaces alanine, which is neutral and non-polar, with threonine, which is neutral and polar, at codon 11 of the MLH3 protein (p.Ala11Thr).

NM_001040108.2(MLH3):c.31G>A (p.Ala11Thr)

Gene: MLH3 (mutL homolog 3; minus strand). Cytogenetic location: 14q24.3.
Variant type: single nucleotide variant.
Coding change: c.31G>A on transcript NM_001040108.2 (MANE Select); coding-DNA position 31, G replaced by A.
Protein change: p.Ala11Thr; replaces alanine 11 with threonine.
Molecular consequence: missense variant.
Genome position (GRCh38, 1-based): chr14:75,049,625, C>T on the plus strand (G>A on the coding strand, the complement: MLH3 is on the minus strand). VCF-style: chr14-75049625-C-T. GRCh37 (hg19) VCF-style: chr14-75516328-C-T.
Other names: c.31G>A, p.Ala11Thr (NM_014381.3); short protein forms A11T.
Identifiers: ClinVar variation 1377351 (VCV001377351.11), dbSNP rs2139615082, ClinGen allele CA390451945.
Genomic context (GRCh38, chr14:75,049,625, plus strand): 5'-GGGCAAGTTCCTCAACACATTGGCCCAAGGAGCTTATGGCCAAACCAGAACGCAATTTGG[C>T]TTGTACTTCAACTGACAAGCACTTGATCATGGTAGGTAGAAAGATGGTGAGAATGCCAGG-3'
Protein context (NP_001035197.1, residues 1-21): MIKCLSVEVQ[Ala11Thr]KLRSGLAISS